The following is an entry in ClinVar:

NM_130810.4(DNAAF4):c.638-1G>A

Genes: DNAAF4 (dynein axonemal assembly factor 4; minus strand), DNAAF4-CCPG1 (DNAAF4-CCPG1 readthrough (NMD candidate); minus strand). Cytogenetic location: 15q21.3.
Variant type: single nucleotide variant.
Coding change: c.638-1G>A on transcript NM_130810.4 (MANE Select); the canonical splice acceptor site of the intron before coding-DNA position 638, G replaced by A.
Molecular consequence: splice acceptor variant.
Genome position (GRCh38, 1-based): chr15:55,450,368, C>T on the plus strand (G>A on the coding strand, the complement: DNAAF4 is on the minus strand). VCF-style: chr15-55450368-C-T. GRCh37 (hg19) VCF-style: chr15-55742566-C-T.
Other names: c.638-1G>A (NM_001033560.2, NM_001033559.3).
Identifiers: ClinVar variation 2894120 (VCV002894120.3), dbSNP rs2057914149, ClinGen allele CA392551050.

ClinVar aggregate classification (germline): Likely pathogenic (1 of 4 stars; one submission).

Allele frequency attached by ClinVar (database versions not stated): gnomAD exomes below 0.00001; gnomAD 0.00001.
gnomAD v4.1: 2 of 1,607,250 alleles (0.00012%); highest among the groups gnomAD compares: Non-Finnish European, 0.00017%; no homozygotes.

Submission:

Labcorp Genetics (formerly Invitae), Labcorp
Classification: Likely pathogenic. Last evaluated: 2023-11-18. Review status: criteria provided, single submitter. Criteria: Invitae Variant Classification Sherloc (09022015). Collection method: clinical testing. Allele origin: germline.
Comment: This sequence change affects an acceptor splice site in intron 5 of the DNAAF4 gene. It is expected to disrupt RNA splicing. Variants that disrupt the donor or acceptor splice site typically lead to a loss of protein function (PMID: 16199547), and loss-of-function variants in DNAAF4 are known to be pathogenic (PMID: 23872636). This variant is not present in population databases (gnomAD no frequency). This variant has not been reported in the literature in individuals affected with DNAAF4-related conditions. Algorithms developed to predict the effect of sequence changes on RNA splicing suggest that this variant may disrupt the consensus splice site. In summary, the currently available evidence indicates that the variant is pathogenic, but additional data are needed to prove that conclusively. Therefore, this variant has been classified as Likely Pathogenic.

Literature cited by the submitters: PubMed 16199547; PubMed 23872636.